The following is an entry in ClinVar:

ClinVar aggregate classification (germline): Conflicting classifications of pathogenicity. Review status: criteria provided, conflicting classifications (1 of 4 stars). 11 submissions from 10 submitters: Pathogenic (2); Likely pathogenic (4); Uncertain significance (1). 4 of the submissions do not count toward it. Last evaluated 2026-08-11.

Conditions:
Usher syndrome. Also called: Usher Syndromes; Usher's syndrome. Identifiers: Orphanet 886, MedGen CN469326, MeSH D052245, MONDO:0019501. Disease mechanism: loss of function.
USH2A-related disorder. Also called: USH2A-related condition; USH2A-related disorders. Identifiers: MedGen CN239332.
Retinal dystrophy. Also called: Inherited retinal dystrophy. Identifiers: Orphanet 71862, MedGen C0854723, MeSH D058499, MONDO:0019118, HP:0000556.
Retinitis pigmentosa 39 (RP39). Identifiers: Orphanet 791, MedGen C3151138, MONDO:0013436, OMIM 613809.
Usher syndrome type 2A. Also called: USHER SYNDROME, TYPE IIA; RETINAL DISEASE IN USHER SYNDROME TYPE IIA, MODIFIER OF. Identifiers: Orphanet 231178, Orphanet 886, MedGen C1848634, MONDO:0010169, OMIM 276901.
Retinitis pigmentosa (RP). Identifiers: Orphanet 791, MedGen C0035334, MeSH D012174, MONDO:0019200, OMIM 268000. Inheritance: Autosomal dominant, autosomal recessive and X linked inheritance.

Allele frequency attached by ClinVar (database versions not stated): gnomAD 0.00006 and 0.00008; ESP Exome Variant Server 0.00008; TOPMed 0.00011; 1000 Genomes Project 30x 0.00031; 1000 Genomes Project 0.00040.
gnomAD v4.1: 146 of 1,613,660 alleles (0.009%); highest among the groups gnomAD compares: Admixed American, 0.04%; no homozygotes.

Submissions (11):

PreventionGenetics, part of Exact Sciences
Classification: Uncertain significance for USH2A-related condition. Last evaluated: 2026-08-11. Review status: criteria provided, single submitter. Criteria: ACMG Guidelines, 2015. Collection method: clinical testing. Allele origin: germline.
Comment: The USH2A c.10999A>C variant is predicted to result in the amino acid substitution p.Thr3667Pro. This variant has been reported in the homozygous state or along with a second causative variant in at least four individuals with retinitis pigmentosa (RP) (Table S2, Carss et al. 2017. PubMed ID: 28041643, Table S8, Koyanagi et al. 2019. PubMed ID: 31213501; Table S3, Suga et al. 2022. PubMed ID: 36284460). This variant has been identified on two alleles in a cohort of patients with inherited retinal disease (IRD) (Table S2, Zhao et al. 2014. PubMed ID: 25078356) and in the heterozygous state in an individual with early-onset hearing loss (Table S2, Miyagawa et al. 2013. PubMed ID: 23967202), although no additional information was given to help determine pathogenicity. This variant is reported in 0.042% of alleles in individuals of Latino descent in gnomAD. Although we suspect that this variant may be pathogenic, at this time, the clinical significance of this variant is uncertain due to the absence of conclusive functional and genetic evidence.

Labcorp Genetics (formerly Invitae), Labcorp
Classification: Likely pathogenic. Last evaluated: 2026-02-01. Review status: criteria provided, single submitter. Criteria: Invitae Variant Classification Sherloc (09022015). Collection method: clinical testing. Allele origin: germline.
Comment: This sequence change replaces threonine, which is neutral and polar, with proline, which is neutral and non-polar, at codon 3667 of the USH2A protein (p.Thr3667Pro). This variant is present in population databases (rs150822759, gnomAD 0.05%). This missense change has been observed in individuals with clinical features of USH2A-related conditions (PMID: 23967202, 28041643, 31213501, 36284460). ClinVar contains an entry for this variant (Variation ID: 225512). Invitae Evidence Modeling of protein sequence and biophysical properties (such as structural, functional, and spatial information, amino acid conservation, physicochemical variation, residue mobility, and thermodynamic stability) indicates that this missense variant is not expected to disrupt USH2A protein function with a negative predictive value of 95%. In summary, the currently available evidence indicates that the variant is pathogenic, but additional data are needed to prove that conclusively. Therefore, this variant has been classified as Likely Pathogenic.

Women's Health and Genetics/Laboratory Corporation of America, LabCorp
Classification: Pathogenic for Usher syndrome. Last evaluated: 2025-03-10. Review status: criteria provided, single submitter. Criteria: LabCorp Variant Classification Summary - May 2015. Collection method: clinical testing. Allele origin: germline.
Comment: Variant summary: USH2A c.10999A>C (p.Thr3667Pro) results in a non-conservative amino acid change in the encoded protein sequence. Three of five in-silico tools predict a benign effect of the variant on protein function. The variant allele was found at a frequency of 0.00011 in 251430 control chromosomes. This frequency is not significantly higher than estimated for a pathogenic variant in USH2A causing Usher Syndrome (0.00011 vs 0.011), allowing no conclusion about variant significance. c.10999A>C has been reported in the homozygous or presumed compound heterozygous state in the literature in multiple individuals affected with clinical features of USH2A-related conditions (example, Carss_2017, Koyanagi_2019, Suga_2022). These data indicate that the variant is very likely to be associated with disease. To our knowledge, no experimental evidence demonstrating an impact on protein function has been reported. The following publications have been ascertained in the context of this evaluation (PMID: 28041643, 31213501, 23967202, 36284460, 24811962, 31736247, 25078356). ClinVar contains an entry for this variant (Variation ID: 225512). Based on the evidence outlined above, the variant was classified as pathogenic.

Baylor Genetics
Classification: Likely pathogenic for Retinitis pigmentosa 39. Last evaluated: 2024-03-18. Review status: criteria provided, single submitter. Criteria: ACMG Guidelines, 2015. Collection method: clinical testing. Allele origin: unknown.

Fulgent Genetics
Classification: Likely pathogenic for Usher syndrome type 2A; Retinitis pigmentosa 39. Last evaluated: 2024-03-12. Review status: criteria provided, single submitter. Criteria: ACMG Guidelines, 2015. Collection method: clinical testing. Allele origin: germline.

Blueprint Genetics
Classification: Likely pathogenic for USH2A-related disorders. Last evaluated: 2024-03-04. Review status: criteria provided, single submitter. Criteria: ACMG Guidelines, 2015. Collection method: clinical testing. Allele origin: germline. Affected: yes. Observed: 5 variant alleles.

Dept Of Ophthalmology, Nagoya University
Classification: Pathogenic for Retinal dystrophy. Last evaluated: 2023-10-01. Review status: criteria provided, single submitter. Criteria: Submitter's publication. Collection method: research. Allele origin: germline. Affected: yes.

Genome-Nilou Lab
Classification: Uncertain significance for Retinitis pigmentosa 39. Last evaluated: 2023-11-04. Review status: flagged submission. Criteria: ACMG Guidelines, 2015. Collection method: clinical testing. Allele origin: germline. Affected: no. Not counted in ClinVar's aggregate classification.
ClinVar note: Reason: Claim with insufficient supporting evidence

Genome-Nilou Lab
Classification: Uncertain significance for Usher syndrome type 2A. Last evaluated: 2023-11-04. Review status: flagged submission. Criteria: ACMG Guidelines, 2015. Collection method: clinical testing. Allele origin: germline. Affected: no. Not counted in ClinVar's aggregate classification.
ClinVar note: Reason: Claim with insufficient supporting evidence

Soonchunhyang University Bucheon Hospital, Soonchunhyang University Medical Center
Classification: Uncertain significance for Usher syndrome type 2A. Last evaluated: 2016-03-18. Review status: flagged submission. Criteria: ACMG Guidelines, 2015. Collection method: reference population. Allele origin: germline. Observed: 1 variant allele. Not counted in ClinVar's aggregate classification.
ClinVar note: Reason: Older claim that does not account for recent evidence

NIHR Bioresource Rare Diseases, University of Cambridge
Classification: Uncertain significance for Retinitis pigmentosa. Last evaluated: 2015-01-01. Review status: flagged submission. Collection method: research. Allele origin: unknown. Affected: yes. Observed: 1 variant allele. Not counted in ClinVar's aggregate classification.
ClinVar note: Reason: Older claim that does not account for recent evidence

Literature cited by the submitters: PubMed 23967202 (cited by 4 submitters); PubMed 28041643 (cited by 3 submitters); PubMed 31213501 (cited by Labcorp Genetics (formerly Invitae), Labcorp and Women's Health and Genetics/Laboratory Corporation of America, LabCorp); PubMed 36284460 (cited by Labcorp Genetics (formerly Invitae), Labcorp and Women's Health and Genetics/Laboratory Corporation of America, LabCorp); PubMed 31736247 (cited by Women's Health and Genetics/Laboratory Corporation of America, LabCorp); PubMed 25078356 (cited by Women's Health and Genetics/Laboratory Corporation of America, LabCorp); PubMed 24811962 (cited by Women's Health and Genetics/Laboratory Corporation of America, LabCorp).

NM_206933.4(USH2A):c.10999A>C (p.Thr3667Pro)

Gene: USH2A (usherin; minus strand). Cytogenetic location: 1q41.
Variant type: single nucleotide variant.
Coding change: c.10999A>C on transcript NM_206933.4 (MANE Select); coding-DNA position 10999, A replaced by C.
Protein change: p.Thr3667Pro; replaces threonine 3667 with proline.
Molecular consequence: missense variant.
Genome position (GRCh38, 1-based): chr1:215,766,729, T>G on the plus strand (A>C on the coding strand, the complement: USH2A is on the minus strand). VCF-style: chr1-215766729-T-G. GRCh37 (hg19) VCF-style: chr1-215940071-T-G.
Other names: short protein forms T3667P.
Identifiers: ClinVar variation 225512 (VCV000225512.16), dbSNP rs150822759, ClinGen allele CA1393854.